The following is an entry in ClinVar:

ClinVar aggregate classification (germline): Uncertain significance. Review status: criteria provided, multiple submitters, no conflicts (2 of 4 stars). 3 submissions from 3 submitters: Uncertain significance (3). Last evaluated 2024-07-07.

Conditions:
LZTR1-related schwannomatosis. Also called: Schwannomatosis-2, susceptibility to; Schwannomatosis 2. Identifiers: Orphanet 93921, MedGen C3810283, MONDO:0014299, OMIM 615670.
Noonan syndrome 2 (NS2). Identifiers: Orphanet 648, MedGen C1854469, MONDO:0011531, OMIM 605275.
Noonan syndrome 10 (NS10). Identifiers: Orphanet 648, MedGen C4225280, MONDO:0014693, OMIM 616564.
Cardiovascular phenotype. Identifiers: MedGen CN230736.
Hereditary cancer-predisposing syndrome. Also called: Hereditary neoplastic syndrome; Tumor predisposition; Hereditary Cancer Syndrome; Neoplastic Syndromes, Hereditary. Identifiers: Orphanet 140162, MedGen C0027672, MeSH D009386, MONDO:0015356.

gnomAD v4.1: 1 of 1,599,764 alleles (0.000063%); highest among the groups gnomAD compares: Non-Finnish European, 0.000085%; no homozygotes.

Submissions (3):

Ambry Genetics
Classification: Uncertain significance for Cardiovascular phenotype; Hereditary cancer-predisposing syndrome. Last evaluated: 2024-07-07. Review status: criteria provided, single submitter. Criteria: Ambry Variant Classification Scheme 2023. Collection method: clinical testing. Allele origin: germline.
Comment: The p.L528P variant (also known as c.1583T>C), located in coding exon 14 of the LZTR1 gene, results from a T to C substitution at nucleotide position 1583. The leucine at codon 528 is replaced by proline, an amino acid with similar properties. This amino acid position is conserved. In addition, this alteration is predicted to be deleterious by in silico analysis. Based on the available evidence, the clinical significance of this variant remains unclear.

Labcorp Genetics (formerly Invitae), Labcorp
Classification: Uncertain significance. Last evaluated: 2024-02-22. Review status: criteria provided, single submitter. Criteria: Invitae Variant Classification Sherloc (09022015). Collection method: clinical testing. Allele origin: germline.
Comment: This sequence change replaces leucine, which is neutral and non-polar, with proline, which is neutral and non-polar, at codon 528 of the LZTR1 protein (p.Leu528Pro). This variant is not present in population databases (gnomAD no frequency). This variant has not been reported in the literature in individuals affected with LZTR1-related conditions. Advanced modeling of protein sequence and biophysical properties (such as structural, functional, and spatial information, amino acid conservation, physicochemical variation, residue mobility, and thermodynamic stability) performed at Invitae indicates that this missense variant is not expected to disrupt LZTR1 protein function with a negative predictive value of 80%. In summary, the available evidence is currently insufficient to determine the role of this variant in disease. Therefore, it has been classified as a Variant of Uncertain Significance.

Juno Genomics, Hangzhou Juno Genomics, Inc
Classification: Uncertain significance for LZTR1-related schwannomatosis; Noonan syndrome 10; Noonan syndrome 2. Review status: criteria provided, single submitter. Criteria: ACMG Guidelines, 2015. Collection method: clinical testing. Allele origin: germline.
Comment: Absent from controls (or at extremely low frequency if recessive) in Genome Aggregation Database.;Multiple lines of computational evidence support a deleterious effect on the gene or gene product.

NM_006767.4(LZTR1):c.1583T>C (p.Leu528Pro)

Gene: LZTR1 (leucine zipper like post translational regulator 1; plus strand). Cytogenetic location: 22q11.21.
Variant type: single nucleotide variant.
Coding change: c.1583T>C on transcript NM_006767.4 (MANE Select); coding-DNA position 1583, T replaced by C.
Protein change: p.Leu528Pro; replaces leucine 528 with proline.
Molecular consequence: missense variant.
Genome position (GRCh38, 1-based): chr22:20,994,237, T>C. VCF-style: chr22-20994237-T-C. GRCh37 (hg19) VCF-style: chr22-21348526-T-C.
Other names: c.1583T>C (NM_006767.3); short protein forms L528P.
Identifiers: ClinVar variation 2915028 (VCV002915028.6), dbSNP rs1924724869, ClinGen allele CA410776127.